The following is an entry in ClinVar:

NM_017637.6(BNC2):c.213A>G (p.Arg71=)

Gene: BNC2 (basonuclin zinc finger protein 2; minus strand). Cytogenetic location: 9p22.2.
Variant type: single nucleotide variant.
Coding change: c.213A>G on transcript NM_017637.6 (MANE Select); coding-DNA position 213, A replaced by G.
Protein change: p.Arg71=; no amino-acid change (arginine 71 retained).
Molecular consequence: synonymous variant. On other transcripts: intron variant (1).
Genome position (GRCh38, 1-based): chr9:16,727,914, T>C on the plus strand (A>G on the coding strand, the complement: BNC2 is on the minus strand). VCF-style: chr9-16727914-T-C. GRCh37 (hg19) VCF-style: chr9-16727912-T-C.
Other names: c.87A>G, p.Arg29= (NM_001317939.2); c.45+104330A>G (NM_001317940.2).
Identifiers: ClinVar variation 4981226 (VCV004981226.1).

ClinVar aggregate classification (germline): Likely benign (1 of 4 stars; one submission).

Conditions:
BNC2-related disorder. Also called: BNC2-related condition.

gnomAD v4.1: 31 of 1,614,174 alleles (0.0019%); highest among the groups gnomAD compares: African/African-American, 0.04%; no homozygotes.

Submission:

PreventionGenetics, part of Exact Sciences
Classification: Likely benign for BNC2-related condition. Last evaluated: 2025-08-20. Review status: criteria provided, single submitter. Criteria: ACMG Guidelines, 2015. Collection method: clinical testing. Allele origin: germline.
Comment: This variant is classified as likely benign based on ACMG/AMP sequence variant interpretation guidelines (Richards et al. 2015 PMID: 25741868, with internal and published modifications).